The following is an entry in ClinVar:

NM_001267550.2(TTN):c.97952A>C (p.Asn32651Thr)

Genes: TTN (titin; minus strand), TTN-AS1 (TTN antisense RNA 1; plus strand). Cytogenetic location: 2q31.2.
Variant type: single nucleotide variant.
Coding change: c.97952A>C on transcript NM_001267550.2 (MANE Select); coding-DNA position 97952, A replaced by C.
Protein change: p.Asn32651Thr; replaces asparagine 32651 with threonine.
Molecular consequence: missense variant.
Genome position (GRCh38, 1-based): chr2:178,540,214, T>G on the plus strand (A>C on the coding strand, the complement: TTN is on the minus strand). VCF-style: chr2-178540214-T-G. GRCh37 (hg19) VCF-style: chr2-179404941-T-G.
Other names: p.N31010T:AAC>ACC; c.93029A>C, p.Asn31010Thr (NM_001256850.1); c.70757A>C, p.Asn23586Thr (NM_003319.4); c.90248A>C, p.Asn30083Thr (NM_133378.4); c.71132A>C, p.Asn23711Thr (NM_133432.3); c.71333A>C, p.Asn23778Thr (NM_133437.4); short protein forms N31010T, N32651T, N23778T, N23586T, N30083T, N23711T.
Identifiers: ClinVar variation 203034 (VCV000203034.3), dbSNP rs794729548, ClinGen allele CA311040.

ClinVar aggregate classification (germline): Uncertain significance. Review status: criteria provided, multiple submitters, no conflicts (2 of 4 stars). 2 submissions from 2 submitters: Uncertain significance (2). Last evaluated 2025-06-12.

gnomAD v4.1: 4 of 1,613,728 alleles (0.00025%); highest among the groups gnomAD compares: Non-Finnish European, 0.00034%; no homozygotes.

Submissions (2):

Revvity Omics, Revvity
Classification: Uncertain significance. Last evaluated: 2025-06-12. Review status: criteria provided, single submitter. Criteria: ACMG Guidelines, 2015. Collection method: clinical testing. Allele origin: germline.

GeneDx
Classification: Uncertain significance. Last evaluated: 2012-12-10. Review status: criteria provided, single submitter. Criteria: GeneDx Variant Classification (06012015). Collection method: clinical testing. Allele origin: germline. Affected: yes.
Comment: Missense variants in the TTN gene are considered 'unclassified' if they are not previously reported in the literature and do not have >1% frequency in the population to be considered a polymorphism. Research indicates that truncating mutations in the TTN gene are expected to account for approximately 25% of familial and 18% of sporadic idiopathic DCM; however, truncating variants in the TTN gene have been reported in approximately 3% of reported control alleles. There has been little investigation into non-truncating variants. (Herman D et al. Truncations of titin causing dilated cardiomyopathy. N Eng J Med 366:619-628, 2012) The variant is found in DCM panel(s).